The following is an entry in ClinVar:

NM_020702.5(MYORG):c.1065G>A (p.Met355Ile)

Gene: MYORG (myogenesis regulating glycosidase; minus strand). Cytogenetic location: 9p13.3.
Variant type: single nucleotide variant.
Coding change: c.1065G>A on transcript NM_020702.5 (MANE Select); coding-DNA position 1065, G replaced by A.
Protein change: p.Met355Ile; replaces methionine 355 with isoleucine.
Molecular consequence: missense variant.
Genome position (GRCh38, 1-based): chr9:34,371,879, C>T on the plus strand (G>A on the coding strand, the complement: MYORG is on the minus strand). VCF-style: chr9-34371879-C-T. GRCh37 (hg19) VCF-style: chr9-34371877-C-T.
Other names: short protein forms M355I.
Identifiers: ClinVar variation 2005504 (VCV002005504.4), dbSNP rs1241632792, ClinGen allele CA373242513.

ClinVar aggregate classification (germline): Uncertain significance (1 of 4 stars; one submission).

Submission:

Labcorp Genetics (formerly Invitae), Labcorp
Classification: Uncertain significance. Last evaluated: 2024-10-24. Review status: criteria provided, single submitter. Criteria: Invitae Variant Classification Sherloc (09022015). Collection method: clinical testing. Allele origin: germline.
Comment: This sequence change replaces methionine, which is neutral and non-polar, with isoleucine, which is neutral and non-polar, at codon 355 of the KIAA1161 protein (p.Met355Ile). This variant is not present in population databases (gnomAD no frequency). This variant has not been reported in the literature in individuals affected with KIAA1161-related conditions. ClinVar contains an entry for this variant (Variation ID: 2005504). Invitae Evidence Modeling of protein sequence and biophysical properties (such as structural, functional, and spatial information, amino acid conservation, physicochemical variation, residue mobility, and thermodynamic stability) indicates that this missense variant is not expected to disrupt KIAA1161 protein function with a negative predictive value of 80%. In summary, the available evidence is currently insufficient to determine the role of this variant in disease. Therefore, it has been classified as a Variant of Uncertain Significance.